The following is an entry in ClinVar:

ClinVar aggregate classification (germline): Likely benign. Review status: criteria provided, multiple submitters, no conflicts (2 of 4 stars). 5 submissions from 5 submitters: Likely benign (5). Last evaluated 2025-09-22.

Conditions:
Familial thoracic aortic aneurysm and aortic dissection (TAAD). Also called: Thoracic aortic aneurysms and dissections. Identifiers: Orphanet 91387, MedGen C4707243, MONDO:0019625.
Aortic aneurysm, familial thoracic 4 (AAT4). Also called: AORTIC ANEURYSM/AORTIC DISSECTION AND PATENT DUCTUS ARTERIOSUS. Identifiers: MedGen C1851504, MONDO:0007568, OMIM 132900.

Allele frequency attached by ClinVar (database versions not stated): gnomAD exomes below 0.00001; ExAC 0.00001; TOPMed 0.00003; gnomAD 0.00004.
gnomAD v4.1: 9 of 1,614,018 alleles (0.00056%); highest among the groups gnomAD compares: African/African-American, 0.0093%; no homozygotes.

Submissions (5):

Labcorp Genetics (formerly Invitae), Labcorp
Classification: Likely benign for Aortic aneurysm, familial thoracic 4. Last evaluated: 2025-09-22. Review status: criteria provided, single submitter. Criteria: Invitae Variant Classification Sherloc (09022015). Collection method: clinical testing. Allele origin: germline.

Mayo Clinic Laboratories, Mayo Clinic
Classification: Likely benign. Last evaluated: 2025-02-03. Review status: criteria provided, single submitter. Criteria: ACMG Guidelines, 2015. Collection method: clinical testing. Allele origin: germline. Observed: 1 variant allele.

All of Us Research Program, National Institutes of Health
Classification: Likely benign for Familial thoracic aortic aneurysm and aortic dissection. Last evaluated: 2024-05-09. Review status: criteria provided, single submitter. Criteria: ACMG Guidelines, 2015. Collection method: clinical testing. Allele origin: germline. Inheritance: Autosomal dominant inheritance. Observed: 6 variant alleles, 6 heterozygotes.
Comment: This study involves interpretation of variants in research participants for the purpose of population health screening. Participant phenotype was not available at the time of variant classification. Additional details can be found in publication PMID: 35346344, PMCID: PMC8962531

Ambry Genetics
Classification: Likely benign for Familial thoracic aortic aneurysm and aortic dissection. Last evaluated: 2022-07-06. Review status: criteria provided, single submitter. Criteria: Ambry Variant Classification Scheme 2023. Collection method: clinical testing. Allele origin: germline.

Color Diagnostics, LLC DBA Color Health
Classification: Likely benign for Familial thoracic aortic aneurysm and aortic dissection. Last evaluated: 2020-12-08. Review status: criteria provided, single submitter. Criteria: ACMG Guidelines, 2015. Collection method: clinical testing. Allele origin: germline.

NM_002474.3(MYH11):c.4008G>A (p.Thr1336=)

Genes: MYH11 (myosin heavy chain 11; minus strand), NDE1 (nudE neurodevelopment protein 1; plus strand). Cytogenetic location: 16p13.11.
Variant type: single nucleotide variant.
Coding change: c.4008G>A on transcript NM_002474.3 (MANE Select); coding-DNA position 4008, G replaced by A.
Protein change: p.Thr1336=; no amino-acid change (threonine 1336 retained).
Molecular consequence: synonymous variant. On other transcripts: 3 prime UTR variant (2).
Genome position (GRCh38, 1-based): chr16:15,724,755, C>T on the plus strand (G>A on the coding strand, the complement: MYH11 is on the minus strand). VCF-style: chr16-15724755-C-T. GRCh37 (hg19) VCF-style: chr16-15818612-C-T.
Other names: p.Thr1343=; c.4029G>A, p.Thr1343= (NM_001040113.2, NM_001040114.2); c.4008G>A, p.Thr1336= (NM_022844.3); c.*504C>T (NM_001143979.2, NM_017668.3).
Identifiers: ClinVar variation 465733 (VCV000465733.15), dbSNP rs749476388, ClinGen allele CA7921809.